The following is an entry in ClinVar:

NM_001348768.2(HECW2):c.4406G>T (p.Gly1469Val)

Gene: HECW2 (HECT, C2 and WW domain containing E3 ubiquitin protein ligase 2; minus strand). Cytogenetic location: 2q32.3.
Variant type: single nucleotide variant.
Coding change: c.4406G>T on transcript NM_001348768.2 (MANE Select); coding-DNA position 4406, G replaced by T.
Protein change: p.Gly1469Val; replaces glycine 1469 with valine.
Molecular consequence: missense variant.
Genome position (GRCh38, 1-based): chr2:196,220,041, C>A on the plus strand (G>T on the coding strand, the complement: HECW2 is on the minus strand). VCF-style: chr2-196220041-C-A. GRCh37 (hg19) VCF-style: chr2-197084765-C-A.
Other names: c.3338G>T, p.Gly1113Val (NM_001304840.3); c.4406G>T, p.Gly1469Val (NM_020760.4); short protein forms G1113V, G1469V.
Identifiers: ClinVar variation 3383631 (VCV003383631.1).

ClinVar aggregate classification (germline): Uncertain significance (1 of 4 stars; one submission).

Submission:

GeneDx
Classification: Uncertain significance. Last evaluated: 2024-05-23. Review status: criteria provided, single submitter. Criteria: GeneDx Variant Classification Process June 2021. Collection method: clinical testing. Allele origin: germline. Affected: yes.
Comment: Not observed at significant frequency in large population cohorts (gnomAD); In silico analysis supports that this missense variant has a deleterious effect on protein structure/function; In silico analysis supports a deleterious effect on splicing; Has not been previously published as pathogenic or benign to our knowledge